The following is an entry in ClinVar:

ClinVar aggregate classification (germline): Conflicting classifications of pathogenicity. Review status: criteria provided, conflicting classifications (1 of 4 stars). 4 submissions from 4 submitters: Uncertain significance (1); Likely benign (3). Last evaluated 2025-01-06.

Conditions:
RYR1-related disorder. Also called: RYR1-related disorders; RYR1-related condition. Identifiers: MedGen CN239331.
Malignant hyperthermia, susceptibility to, 1 (MHS1). Also called: Anesthesia related hyperthermia; Malignant hyperpyrexia; Fulminating hyperpyrexia; Pharmacogenic myopathy; Malignant hyperthermia suceptibility 1; RYR1-Related Malignant Hyperthermia Susceptibility. Identifiers: Orphanet 423, MedGen C2930980, MONDO:0007783, OMIM 145600.

Allele frequency attached by ClinVar (database versions not stated): ExAC 0.00001; gnomAD exomes 0.00001; gnomAD 0.00002.
gnomAD v4.1: 15 of 1,590,682 alleles (0.00094%); highest among the groups gnomAD compares: African/African-American, 0.0057%; no homozygotes.

Submissions (4):

Labcorp Genetics (formerly Invitae), Labcorp
Classification: Likely benign for RYR1-related disorder. Last evaluated: 2025-01-06. Review status: criteria provided, single submitter. Criteria: Invitae Variant Classification Sherloc (09022015). Collection method: clinical testing. Allele origin: germline.

All of Us Research Program, National Institutes of Health
Classification: Likely benign for Malignant hyperthermia, susceptibility to, 1. Last evaluated: 2023-11-20. Review status: criteria provided, single submitter. Criteria: ACMG Guidelines, 2015. Collection method: clinical testing. Allele origin: germline. Inheritance: Autosomal dominant inheritance. Observed: 1 variant allele, 1 heterozygote.
Comment: This study involves interpretation of variants in research participants for the purpose of population health screening. Participant phenotype was not available at the time of variant classification. Additional details can be found in publication PMID: 35346344, PMCID: PMC8962531

Eurofins Ntd Llc (ga)
Classification: Uncertain significance. Last evaluated: 2014-12-09. Review status: criteria provided, single submitter. Criteria: EGL Classification Definitions 2015. Collection method: clinical testing. Allele origin: germline. Observed: 1 variant allele, 1 heterozygote.

PreventionGenetics, part of Exact Sciences
Classification: Likely benign. Review status: criteria provided, single submitter. Criteria: ACMG Guidelines, 2015. Collection method: clinical testing. Allele origin: germline.

NM_000540.3(RYR1):c.7615-5C>T

Gene: RYR1 (ryanodine receptor 1; plus strand). Cytogenetic location: 19q13.2.
Variant type: single nucleotide variant.
Coding change: c.7615-5C>T on transcript NM_000540.3 (MANE Select); 5 bases into the intron before coding-DNA position 7615, C replaced by T.
Molecular consequence: intron variant.
Genome position (GRCh38, 1-based): chr19:38,502,502, C>T. VCF-style: chr19-38502502-C-T. GRCh37 (hg19) VCF-style: chr19-38993142-C-T.
Other names: c.7615-5C>T (NM_001042723.2).
Identifiers: ClinVar variation 197583 (VCV000197583.16), dbSNP rs768008924, ClinGen allele CA024836.